The following is an entry in ClinVar:

NM_001129.5(AEBP1):c.2923del (p.Ala975fs)

Gene: AEBP1 (AE binding protein 1; plus strand). Cytogenetic location: 7p13.
Variant type: Deletion.
Coding change: c.2923del on transcript NM_001129.5 (MANE Select); coding-DNA position 2923, one base deleted (G; older notation c.2923delG).
Protein change: p.Ala975fs; shifts the reading frame from alanine 975.
Molecular consequence: frameshift variant.
Genome position (GRCh38, 1-based): chr7:44,113,707, G deleted; the last of 4 consecutive G bases (chr7:44,113,704-44,113,707); deleting any one gives the same sequence. VCF-style (leftmost placement, unchanged base first): chr7-44113703-CG-C. GRCh37 (hg19) VCF-style: chr7-44153302-CG-C.
Other names: short protein forms A975fs.
Identifiers: ClinVar variation 2686014 (VCV002686014.3), dbSNP rs2484364261.

ClinVar aggregate classification (germline): Uncertain significance. Review status: criteria provided, single submitter (1 of 4 stars). 2 submissions from 2 submitters: Uncertain significance (1). 1 of the submissions does not count toward it. Last evaluated 2023-08-07.

Conditions:
Ehlers-Danlos syndrome, classic type, 2 (EDSCL2). Also called: Ehlers-Danlos syndrome, type 2; Ehlers-Danlos Syndrome, Classic Type, COL5A2-Related; Ehlers-Danlos syndrome type 2 (formerly). Identifiers: Orphanet 287, Orphanet 90318, MedGen C0268336, MONDO:0019568, OMIM 130010.

Submissions (2):

Blueprint Genetics
Classification: Uncertain significance. Last evaluated: 2023-08-07. Review status: criteria provided, single submitter. Criteria: ACMG Guidelines, 2015. Collection method: clinical testing. Allele origin: germline.

Department Of Medical Genetics, University Of British Columbia
Classification: Uncertain significance for Ehlers-Danlos syndrome, classic type, 2. Last evaluated: 2024-01-12. Review status: no assertion criteria provided. Collection method: clinical testing. Allele origin: inherited. Inheritance: Autosomal recessive inheritance. Affected: yes. Not counted in ClinVar's aggregate classification.
Comment: This specific c.2923del variant in AEBP1 has not been reported previously and is absent from large population studies. To date, 14 patients from 12 families with biallelic AEBP1 related clEDS2 have been described (Angwin et al., 2023; Blackburn, Xu, et al., 2018; Di Giosaffatte et al., 2022; Hebebrand et al., 2019; Ritelli et al., 2019; Sanai et al., 2023; Syx et al., 2019; Yamaguchi et al., 2023).

Literature cited by the submitters: DOI 10.3389/fgene.2023.1148224 (cited by Department Of Medical Genetics, University Of British Columbia); DOI 10.1016/j.ajhg.2018.02.018 (cited by Department Of Medical Genetics, University Of British Columbia); DOI 10.3390/genes13122358 (cited by Department Of Medical Genetics, University Of British Columbia); DOI 10.1002/ajmg.a.60679 (cited by Department Of Medical Genetics, University Of British Columbia); DOI 10.3390/genes10020135 (cited by Department Of Medical Genetics, University Of British Columbia); DOI 10.1111/jog.15541 (cited by Department Of Medical Genetics, University Of British Columbia); DOI 10.1093/hmg/ddz024 (cited by Department Of Medical Genetics, University Of British Columbia); DOI 10.3389/fgene.2023.1102101 (cited by Department Of Medical Genetics, University Of British Columbia).